The following is an entry in ClinVar:

NM_004667.6(HERC2):c.5132C>T (p.Thr1711Ile)

Gene: HERC2 (HECT and RLD domain containing E3 ubiquitin protein ligase 2; minus strand). Cytogenetic location: 15q13.1.
Variant type: single nucleotide variant.
Coding change: c.5132C>T on transcript NM_004667.6 (MANE Select); coding-DNA position 5132, C replaced by T.
Protein change: p.Thr1711Ile; replaces threonine 1711 with isoleucine.
Molecular consequence: missense variant.
Genome position (GRCh38, 1-based): chr15:28,229,335, G>A on the plus strand (C>T on the coding strand, the complement: HERC2 is on the minus strand). VCF-style: chr15-28229335-G-A. GRCh37 (hg19) VCF-style: chr15-28474481-G-A.
Other names: short protein forms T1711I.
Identifiers: ClinVar variation 235476 (VCV000235476.3), dbSNP rs751891639, ClinGen allele CA7442433.
Genomic context (GRCh38, chr15:28,229,335, plus strand): 5'-GTGACTTCCAGCAGCATCCGATTAAAAGGCGGGATCAAATCAACATCCTTTAAACAATCA[G>A]TAAGAGGTTCCCTTTCAAATAAAGATAAAGAATTTGACTTGGGACACTGCCAGACTTCTG-3'
Protein context (NP_004658.3, residues 1701-1721): PEGIDIGEPL[Thr1711Ile]DCLKDVDLIP

ClinVar aggregate classification (germline): Uncertain significance (1 of 4 stars; one submission).

Allele frequency attached by ClinVar (database versions not stated): gnomAD 0.00003; gnomAD exomes 0.00003 and 0.00004; TOPMed 0.00006.
gnomAD v4.1: 46 of 1,612,582 alleles (0.0029%); highest among the groups gnomAD compares: Non-Finnish European, 0.0037%; no homozygotes.

Submission:

Center for Pediatric Genomic Medicine, Children's Mercy Hospital and Clinics
Classification: Uncertain significance. Last evaluated: 2016-04-12. Review status: criteria provided, single submitter. Criteria: ACMG Guidelines, 2015. Collection method: clinical testing. Allele origin: germline.
ClinVar note: Converted during submission from Uncertain Significance to Uncertain significance.